The following is an entry in ClinVar:

NM_001267550.2(TTN):c.75190A>G (p.Thr25064Ala)

Genes: TTN (titin; minus strand), TTN-AS1 (TTN antisense RNA 1; plus strand). Cytogenetic location: 2q31.2.
Variant type: single nucleotide variant.
Coding change: c.75190A>G on transcript NM_001267550.2 (MANE Select); coding-DNA position 75190, A replaced by G.
Protein change: p.Thr25064Ala; replaces threonine 25064 with alanine.
Molecular consequence: missense variant.
Genome position (GRCh38, 1-based): chr2:178,570,942, T>C on the plus strand (A>G on the coding strand, the complement: TTN is on the minus strand). VCF-style: chr2-178570942-T-C. GRCh37 (hg19) VCF-style: chr2-179435669-T-C.
Other names: c.70267A>G, p.Thr23423Ala (NM_001256850.1); c.47995A>G, p.Thr15999Ala (NM_003319.4); c.67486A>G, p.Thr22496Ala (NM_133378.4); c.48370A>G, p.Thr16124Ala (NM_133432.3); c.48571A>G, p.Thr16191Ala (NM_133437.4); short protein forms T15999A, T16124A, T16191A, T22496A, T23423A, T25064A.
Identifiers: ClinVar variation 2437941 (VCV002437941.4), dbSNP rs893428451, ClinGen allele CA60996323.
Genomic context (GRCh38, chr2:178,570,942, plus strand): 5'-GGGCTATAACCCGGAACTCATATCTGTGATCTTCAACTAGGCCAGTTACTTCAAAATGAG[T>C]GTCAATAATATTTGTAAAACTGGCTTTCATCCAACGGCCCTCAGGTAATTCTTTCTTCTC-3'
Protein context (NP_001254479.2, residues 25054-25074): MKASFTNIID[Thr25064Ala]HFEVTGLVED

ClinVar aggregate classification (germline): Uncertain significance. Review status: criteria provided, multiple submitters, no conflicts (2 of 4 stars). 2 submissions from 2 submitters: Uncertain significance (2). Last evaluated 2026-07-14.

Conditions:
TTN-related disorder. Also called: TTN-related condition; TTN-related disease; TTN-related disorders.

Allele frequency attached by ClinVar (database versions not stated): gnomAD 0.00001; TOPMed 0.00002.
gnomAD v4.1: 46 of 1,613,366 alleles (0.0029%); highest among the groups gnomAD compares: Non-Finnish European, 0.0038%; no homozygotes.

Submissions (2):

PreventionGenetics, part of Exact Sciences
Classification: Uncertain significance for TTN-related condition. Last evaluated: 2026-07-14. Review status: criteria provided, single submitter. Criteria: ACMG Guidelines, 2015. Collection method: clinical testing. Allele origin: germline.
Comment: The TTN c.75190A>G variant is predicted to result in the amino acid substitution p.Thr25064Ala. To our knowledge, this variant has not been reported in the literature. This variant is reported in 0.0018% of alleles in individuals of European (Non-Finnish) descent in gnomAD. At this time, the clinical significance of this variant is uncertain due to the absence of conclusive functional and genetic evidence.

Revvity Omics, Revvity
Classification: Uncertain significance. Last evaluated: 2021-08-24. Review status: criteria provided, single submitter. Criteria: ACMG Guidelines, 2015. Collection method: clinical testing. Allele origin: germline.